The following is an entry in ClinVar:

ClinVar aggregate classification (germline): Uncertain significance (1 of 4 stars; one submission).

Conditions:
Aortic aneurysm, familial thoracic 4 (AAT4). Also called: AORTIC ANEURYSM/AORTIC DISSECTION AND PATENT DUCTUS ARTERIOSUS. Identifiers: MedGen C1851504, MONDO:0007568, OMIM 132900.

Submission:

Labcorp Genetics (formerly Invitae), Labcorp
Classification: Uncertain significance for Aortic aneurysm, familial thoracic 4. Last evaluated: 2021-06-05. Review status: criteria provided, single submitter. Criteria: Invitae Variant Classification Sherloc (09022015). Collection method: clinical testing. Allele origin: germline.
Comment: In summary, the available evidence is currently insufficient to determine the role of this variant in disease. Therefore, it has been classified as a Variant of Uncertain Significance. This sequence change falls in intron 17 of the MYH11 gene. It does not directly change the encoded amino acid sequence of the MYH11 protein. This variant is not present in population databases (ExAC no frequency). This variant has not been reported in the literature in individuals with MYH11-related conditions. Algorithms developed to predict the effect of sequence changes on RNA splicing suggest that this variant may create or strengthen a splice site, but this prediction has not been confirmed by published transcriptional studies.

NM_002474.3(MYH11):c.2058+7C>T

Gene: MYH11 (myosin heavy chain 11; minus strand). Cytogenetic location: 16p13.11.
Variant type: single nucleotide variant.
Coding change: c.2058+7C>T on transcript NM_002474.3 (MANE Select); 7 bases into the intron after coding-DNA position 2058, C replaced by T.
Molecular consequence: intron variant.
Genome position (GRCh38, 1-based): chr16:15,750,131, G>A on the plus strand (C>T on the coding strand, the complement: MYH11 is on the minus strand). VCF-style: chr16-15750131-G-A. GRCh37 (hg19) VCF-style: chr16-15843988-G-A.
Other names: c.2058+7C>T (NM_022844.3); c.2079+7C>T (NM_001040114.2, NM_001040113.2).
Identifiers: ClinVar variation 1359098 (VCV001359098.8), dbSNP rs2151263783, ClinGen allele CA2573151767.